The following is an entry in ClinVar:

NM_000245.4(MET):c.3385A>G (p.Ile1129Val)

Gene: MET (MET proto-oncogene, receptor tyrosine kinase; plus strand). Cytogenetic location: 7q31.2.
Variant type: single nucleotide variant.
Coding change: c.3385A>G on transcript NM_000245.4 (MANE Select); coding-DNA position 3385, A replaced by G.
Protein change: p.Ile1129Val; replaces isoleucine 1129 with valine.
Molecular consequence: missense variant.
Genome position (GRCh38, 1-based): chr7:116,778,820, A>G. VCF-style: chr7-116778820-A-G. GRCh37 (hg19) VCF-style: chr7-116418874-A-G.
Other names: c.3439A>G, p.Ile1147Val (NM_001127500.3); c.2095A>G, p.Ile699Val (NM_001324402.2); short protein forms I1129V, I1147V, I699V.
Identifiers: ClinVar variation 2453372 (VCV002453372.2), dbSNP rs1795068335, ClinGen allele CA368990036.

ClinVar aggregate classification (germline): Uncertain significance (1 of 4 stars; one submission).

Conditions:
Hereditary cancer-predisposing syndrome. Also called: Neoplastic Syndromes, Hereditary; Tumor predisposition; Hereditary neoplastic syndrome; Hereditary Cancer Syndrome. Identifiers: Orphanet 140162, MedGen C0027672, MeSH D009386, MONDO:0015356.

gnomAD v4.1: 2 of 1,614,076 alleles (0.00012%); highest among the groups gnomAD compares: Non-Finnish European, 0.00017%; no homozygotes.

Submission:

Ambry Genetics
Classification: Uncertain significance for Hereditary cancer-predisposing syndrome. Last evaluated: 2022-11-03. Review status: criteria provided, single submitter. Criteria: Ambry Variant Classification Scheme 2023. Collection method: clinical testing. Allele origin: germline.
Comment: The p.I1147V variant (also known as c.3439A>G), located in coding exon 16 of the MET gene, results from an A to G substitution at nucleotide position 3439. The isoleucine at codon 1147 is replaced by valine, an amino acid with highly similar properties. This amino acid position is conserved. In addition, the in silico prediction for this alteration is inconclusive. Since supporting evidence is limited at this time, the clinical significance of this alteration remains unclear.